The following is an entry in ClinVar:

NM_001099274.3(TINF2):c.623C>G (p.Ser208Ter)

Gene: TINF2 (TERF1 interacting nuclear factor 2; minus strand). Cytogenetic location: 14q12.
Variant type: single nucleotide variant.
Coding change: c.623C>G on transcript NM_001099274.3 (MANE Select); coding-DNA position 623, C replaced by G.
Protein change: p.Ser208Ter; replaces serine 208 with a stop codon.
Molecular consequence: nonsense.
Genome position (GRCh38, 1-based): chr14:24,240,857, G>C on the plus strand (C>G on the coding strand, the complement: TINF2 is on the minus strand). VCF-style: chr14-24240857-G-C. GRCh37 (hg19) VCF-style: chr14-24710063-G-C.
Other names: c.518C>G, p.Ser173Ter (NM_001363668.2); c.623C>G, p.Ser208Ter (NM_012461.3); short protein forms S173*, S208*.
Identifiers: ClinVar variation 1879275 (VCV001879275.29), dbSNP rs2502458156, ClinGen allele CA389229811.

ClinVar aggregate classification (germline): Likely pathogenic (1 of 4 stars; one submission).

Submission:

CeGaT Center for Human Genetics Tuebingen
Classification: Likely pathogenic. Last evaluated: 2022-12-01. Review status: criteria provided, single submitter. Criteria: CeGaT Center For Human Genetics Tuebingen Variant Classification Criteria Version 2. Collection method: clinical testing. Allele origin: germline. Affected: yes. Observed: 1 variant allele.
Comment: TINF2: PVS1:Strong, PM2